The following is an entry in ClinVar:

NM_001287491.2(TET3):c.677G>A (p.Arg226His)

Gene: TET3 (tet methylcytosine dioxygenase 3; plus strand). Cytogenetic location: 2p13.1.
Variant type: single nucleotide variant.
Coding change: c.677G>A on transcript NM_001287491.2 (MANE Select); coding-DNA position 677, G replaced by A.
Protein change: p.Arg226His; replaces arginine 226 with histidine.
Molecular consequence: missense variant.
Genome position (GRCh38, 1-based): chr2:74,046,594, G>A. VCF-style: chr2-74046594-G-A. GRCh37 (hg19) VCF-style: chr2-74273721-G-A.
Other names: c.398G>A, p.Arg133His (NM_001366022.1); c.272G>A, p.Arg91His (NM_144993.1); short protein forms R133H, R226H, R91H.
Identifiers: ClinVar variation 2431729 (VCV002431729.2), dbSNP rs899042055, ClinGen allele CA50460607.

ClinVar aggregate classification (germline): Uncertain significance (1 of 4 stars; one submission).

Conditions:
Beck-Fahrner syndrome (BEFAHRS). Identifiers: Orphanet 684216, MedGen C5394097, MONDO:0032922, OMIM 618798.

Allele frequency attached by ClinVar (database versions not stated): TOPMed below 0.00001; gnomAD 0.00001.
gnomAD v4.1: 9 of 1,613,936 alleles (0.00056%); highest among the groups gnomAD compares: South Asian, 0.0011%; no homozygotes.

Submission:

Laboratorio de Genetica e Diagnostico Molecular, Hospital Israelita Albert Einstein
Classification: Uncertain significance for Beck-Fahrner syndrome. Last evaluated: 2023-01-06. Review status: criteria provided, single submitter. Criteria: ACMG Guidelines, 2015. Collection method: clinical testing. Allele origin: germline. Affected: yes.
Comment: ACMG classification criteria: PM2 moderated, BP4 supporting